The following is an entry in ClinVar:

ClinVar aggregate classification (germline): Benign. Review status: criteria provided, single submitter (1 of 4 stars). 2 submissions from 2 submitters: Benign (1). 1 of the submissions does not count toward it. Last evaluated 2026-05-01.

Conditions:
TANC2-related disorder. Also called: TANC2-related condition.

Allele frequency attached by ClinVar (database versions not stated): 1000 Genomes Project 30x 0.00109; 1000 Genomes Project 0.00120; gnomAD 0.00278 and 0.00295; ESP Exome Variant Server 0.00283; ExAC 0.00287; gnomAD exomes 0.00291 and 0.00431; TOPMed 0.00327.
gnomAD v4.1: 6,729 of 1,613,996 alleles (0.42%); highest among the groups gnomAD compares: Non-Finnish European, 0.51%; 17 homozygotes.

Submissions (2):

CeGaT Center for Human Genetics Tuebingen
Classification: Benign. Last evaluated: 2026-05-01. Review status: criteria provided, single submitter. Criteria: CeGaT Center For Human Genetics Tuebingen Variant Classification Criteria Version 2. Collection method: clinical testing. Allele origin: germline. Affected: yes. Observed: 37 variant alleles.
Comment: TANC2: BP4, BP7, BS1, BS2

PreventionGenetics, part of Exact Sciences
Classification: Benign for TANC2-related condition. Last evaluated: 2020-12-07. Review status: no assertion criteria provided. Collection method: clinical testing. Allele origin: germline. Not counted in ClinVar's aggregate classification.
Comment: This variant is classified as benign based on ACMG/AMP sequence variant interpretation guidelines (Richards et al. 2015 PMID: 25741868, with internal and published modifications).

NM_001394998.1(TANC2):c.5028T>C (p.Pro1676=)

Gene: TANC2 (tetratricopeptide repeat, ankyrin repeat and coiled-coil containing 2; plus strand). Cytogenetic location: 17q23.3.
Variant type: single nucleotide variant.
Coding change: c.5028T>C on transcript NM_001394998.1 (MANE Select); coding-DNA position 5028, T replaced by C.
Protein change: p.Pro1676=; no amino-acid change (proline 1676 retained).
Molecular consequence: synonymous variant.
Genome position (GRCh38, 1-based): chr17:63,420,758, T>C. VCF-style: chr17-63420758-T-C. GRCh37 (hg19) VCF-style: chr17-61498119-T-C.
Other names: c.4776T>C, p.Pro1592= (NM_025185.4); c.4776T>C (NM_025185.3).
Identifiers: ClinVar variation 1675687 (VCV001675687.35), dbSNP rs202056866, ClinGen allele CA8698365.